The following is an entry in ClinVar:

ClinVar aggregate classification (germline): Uncertain significance. Review status: criteria provided, multiple submitters, no conflicts (2 of 4 stars). 2 submissions from 2 submitters: Uncertain significance (2). Last evaluated 2022-08-23.

Conditions:
Mowat-Wilson syndrome (MOWS). Also called: Classic Mowat-Wilson Syndrome. Identifiers: Orphanet 2152, MedGen C1856113, MONDO:0009341, OMIM 235730.

gnomAD v4.1: 3 of 1,614,094 alleles (0.00019%); highest among the groups gnomAD compares: South Asian, 0.0033%; no homozygotes.

Submissions (2):

Labcorp Genetics (formerly Invitae), Labcorp
Classification: Uncertain significance for Mowat-Wilson syndrome. Last evaluated: 2022-08-23. Review status: criteria provided, single submitter. Criteria: Invitae Variant Classification Sherloc (09022015). Collection method: clinical testing. Allele origin: germline.
Comment: This sequence change replaces serine, which is neutral and polar, with proline, which is neutral and non-polar, at codon 764 of the ZEB2 protein (p.Ser764Pro). This variant is not present in population databases (gnomAD no frequency). This variant has not been reported in the literature in individuals affected with ZEB2-related conditions. ClinVar contains an entry for this variant (Variation ID: 1521911). Algorithms developed to predict the effect of missense changes on protein structure and function (SIFT, PolyPhen-2, Align-GVGD) all suggest that this variant is likely to be tolerated. In summary, the available evidence is currently insufficient to determine the role of this variant in disease. Therefore, it has been classified as a Variant of Uncertain Significance.

Neuberg Centre For Genomic Medicine, NCGM
Classification: Uncertain significance for Mowat-Wilson syndrome. Review status: criteria provided, single submitter. Criteria: ACMG Guidelines, 2015. Collection method: clinical testing. Allele origin: germline. Inheritance: Autosomal dominant inheritance. Affected: yes.
Comment: The observed missense c.2290T>Cp.Ser764Pro variant in ZEB2 gene has not been reported previously as a pathogenic variant nor as a benign variant, to our knowledge. The p.Ser764Pro variant is absent in gnomAD Exomes database. This variant has been submitted to the ClinVar database as Uncertain significance. Multiple lines of computational evidence Polyphen - Benign, SIFT - Tolerated and MutationTaster - Tolerated predict no damaging effect on protein structure and function for this variant. The reference amino acid in ZEB2 is predicted as conserved by GERP++ and PhyloP across 100 vertebrates. The amino acid Ser at position 764 is changed to a Pro changing protein sequence and it might alter its composition and physico-chemical properties. For these reasons, this variant has been classified as Uncertain Significance VUS.

NM_014795.4(ZEB2):c.2290T>C (p.Ser764Pro)

Gene: ZEB2 (zinc finger E-box binding homeobox 2; minus strand). Cytogenetic location: 2q22.3.
Variant type: single nucleotide variant.
Coding change: c.2290T>C on transcript NM_014795.4 (MANE Select); coding-DNA position 2290, T replaced by C.
Protein change: p.Ser764Pro; replaces serine 764 with proline.
Molecular consequence: missense variant.
Genome position (GRCh38, 1-based): chr2:144,398,897, A>G on the plus strand (T>C on the coding strand, the complement: ZEB2 is on the minus strand). VCF-style: chr2-144398897-A-G. GRCh37 (hg19) VCF-style: chr2-145156464-A-G.
Other names: c.2218T>C, p.Ser740Pro (NM_001171653.2); short protein forms S764P, S740P.
Identifiers: ClinVar variation 1521911 (VCV001521911.9), dbSNP rs2149876703, ClinGen allele CA348708618.